The following is an entry in ClinVar:

ClinVar aggregate classification (germline): Benign. Review status: criteria provided, multiple submitters, no conflicts (2 of 4 stars). 4 submissions from 4 submitters: Benign (3). 1 of the submissions does not count toward it. Last evaluated 2026-02-02.

Conditions:
NXN-related disorder. Also called: NXN-related condition.

Allele frequency attached by ClinVar (database versions not stated): gnomAD exomes 0.00480 and 0.01274; ExAC 0.02234; gnomAD 0.04314 and 0.04031; ESP Exome Variant Server 0.04751; 1000 Genomes Project 0.04313; TOPMed 0.04598; 1000 Genomes Project 30x 0.04450.
gnomAD v4.1: 13,555 of 1,608,660 alleles (0.84%); highest among the groups gnomAD compares: African/African-American, 13%; 748 homozygotes.

Submissions (4):

Labcorp Genetics (formerly Invitae), Labcorp
Classification: Benign. Last evaluated: 2026-02-02. Review status: criteria provided, single submitter. Criteria: Invitae Variant Classification Sherloc (09022015). Collection method: clinical testing. Allele origin: germline.

GeneDx
Classification: Benign. Last evaluated: 2021-05-05. Review status: criteria provided, single submitter. Criteria: GeneDx Variant Classification Process June 2021. Collection method: clinical testing. Allele origin: germline. Affected: yes.

Breakthrough Genomics
Classification: Benign. Review status: criteria provided, single submitter. Criteria: ACMG Guidelines, 2015. Collection method: not provided. Allele origin: germline. Inheritance: Autosomal recessive inheritance. Affected: yes.

PreventionGenetics, part of Exact Sciences
Classification: Benign for NXN-related condition. Last evaluated: 2020-01-02. Review status: no assertion criteria provided. Collection method: clinical testing. Allele origin: germline. Not counted in ClinVar's aggregate classification.
Comment: This variant is classified as benign based on ACMG/AMP sequence variant interpretation guidelines (Richards et al. 2015 PMID: 25741868, with internal and published modifications).

NM_022463.5(NXN):c.963G>A (p.Ala321=)

Gene: NXN (nucleoredoxin; minus strand). Cytogenetic location: 17p13.3.
Variant type: single nucleotide variant.
Coding change: c.963G>A on transcript NM_022463.5 (MANE Select); coding-DNA position 963, G replaced by A.
Protein change: p.Ala321=; no amino-acid change (alanine 321 retained).
Molecular consequence: synonymous variant.
Genome position (GRCh38, 1-based): chr17:805,105, C>T on the plus strand (G>A on the coding strand, the complement: NXN is on the minus strand). VCF-style: chr17-805105-C-T. GRCh37 (hg19) VCF-style: chr17-708345-C-T.
Other names: c.639G>A, p.Ala213= (NM_001205319.1).
Identifiers: ClinVar variation 1233495 (VCV001233495.14), dbSNP rs76916305, ClinGen allele CA8263999.
Genomic context (GRCh38, chr17:805,105, plus strand): 5'-CCCTGCCCCCGTGAGCTTCATACCTACAAAAAGGACGAGGCAGGGGCCCTCGTTAAGCTG[C>T]GCGGCGTTGGAGTCGGAGAGCTCCAGCACGGGCTTGGGGTGCCAGGGGAACTCCCGGCAG-3'
Protein context (NP_071908.2, residues 311-331): PVLELSDSNA[Ala321=]QLNEGPCLVL